The following is an entry in ClinVar:

ClinVar aggregate classification (germline): Conflicting classifications of pathogenicity. Review status: criteria provided, conflicting classifications (1 of 4 stars). 2 submissions from 2 submitters: Uncertain significance (1); Likely benign (1). Last evaluated 2023-03-23.

Conditions:
Hereditary cancer-predisposing syndrome. Also called: Neoplastic Syndromes, Hereditary; Tumor predisposition; Hereditary Cancer Syndrome; Hereditary neoplastic syndrome. Identifiers: Orphanet 140162, MedGen C0027672, MeSH D009386, MONDO:0015356.

Submissions (2):

University of Washington Department of Laboratory Medicine, University of Washington
Classification: Likely benign for Hereditary cancer-predisposing syndrome. Last evaluated: 2023-03-23. Review status: criteria provided, single submitter. Criteria: Dines et al. (Genet Med. 2020). Collection method: curation. Allele origin: germline.
Comment: Missense variant in a coldspot region where missense variants are very unlikely to be pathogenic (PMID:31911673).

BRCA2 exon 11 coldspot. Reclassification based on statistical prior probability.

Ambry Genetics
Classification: Uncertain significance for Hereditary cancer-predisposing syndrome. Last evaluated: 2018-01-08. Review status: criteria provided, single submitter. Criteria: Ambry Variant Classification Scheme 2023. Collection method: clinical testing. Allele origin: germline.
Comment: The p.E808A variant (also known as c.2423A>C), located in coding exon 10 of the BRCA2 gene, results from an A to C substitution at nucleotide position 2423. The glutamic acid at codon 808 is replaced by alanine, an amino acid with dissimilar properties. This amino acid position is well conserved in available vertebrate species. In addition, the in silico prediction for this alteration is inconclusive. Since supporting evidence is limited at this time, the clinical significance of this alteration remains unclear.

NM_000059.4(BRCA2):c.2423A>C (p.Glu808Ala)

Gene: BRCA2 (BRCA2 DNA repair associated; plus strand). Cytogenetic location: 13q13.1.
Variant type: single nucleotide variant.
Coding change: c.2423A>C on transcript NM_000059.4 (MANE Select); coding-DNA position 2423, A replaced by C.
Protein change: p.Glu808Ala; replaces glutamic acid 808 with alanine.
Molecular consequence: missense variant.
Genome position (GRCh38, 1-based): chr13:32,336,778, A>C. VCF-style: chr13-32336778-A-C. GRCh37 (hg19) VCF-style: chr13-32910915-A-C.
Other names: short protein forms E808A.
Identifiers: ClinVar variation 821247 (VCV000821247.6), dbSNP rs1593896901, ClinGen allele CA387772111.